The following is an entry in ClinVar:

ClinVar aggregate classification (germline): Uncertain significance (1 of 4 stars; one submission).

Conditions:
Charcot-Marie-Tooth disease axonal type 2O. Also called: CHARCOT-MARIE-TOOTH NEUROPATHY, AXONAL, TYPE 2O; CHARCOT-MARIE-TOOTH DISEASE, AXONAL, AUTOSOMAL DOMINANT, TYPE 2O; Charcot-Marie-Tooth disease, axonal, type 20; Charcot-Marie-Tooth Neuropathy Type 2O. Identifiers: Orphanet 284232, MedGen C3280220, MONDO:0013644, OMIM 614228.

Submission:

Labcorp Genetics (formerly Invitae), Labcorp
Classification: Uncertain significance for Charcot-Marie-Tooth disease axonal type 2O. Last evaluated: 2021-07-02. Review status: criteria provided, single submitter. Criteria: Invitae Variant Classification Sherloc (09022015). Collection method: clinical testing. Allele origin: germline.
Comment: This variant is not present in population databases (ExAC no frequency). This sequence change replaces valine with isoleucine at codon 4009 of the DYNC1H1 protein (p.Val4009Ile). The valine residue is highly conserved and there is a small physicochemical difference between valine and isoleucine. In summary, the available evidence is currently insufficient to determine the role of this variant in disease. Therefore, it has been classified as a Variant of Uncertain Significance. Advanced modeling of protein sequence and biophysical properties (such as structural, functional, and spatial information, amino acid conservation, physicochemical variation, residue mobility, and thermodynamic stability) performed at Invitae indicates that this missense variant is not expected to disrupt DYNC1H1 protein function. This variant has not been reported in the literature in individuals affected with DYNC1H1-related conditions.

NM_001376.5(DYNC1H1):c.12025G>A (p.Val4009Ile)

Gene: DYNC1H1 (dynein cytoplasmic 1 heavy chain 1; plus strand). Cytogenetic location: 14q32.31.
Variant type: single nucleotide variant.
Coding change: c.12025G>A on transcript NM_001376.5 (MANE Select); coding-DNA position 12025, G replaced by A.
Protein change: p.Val4009Ile; replaces valine 4009 with isoleucine.
Molecular consequence: missense variant.
Genome position (GRCh38, 1-based): chr14:102,041,657, G>A. VCF-style: chr14-102041657-G-A. GRCh37 (hg19) VCF-style: chr14-102507994-G-A.
Other names: short protein forms V4009I.
Identifiers: ClinVar variation 1365214 (VCV001365214.8), dbSNP rs2152596295, ClinGen allele CA391037805.